The following is an entry in ClinVar:

NM_015271.5(TRIM2):c.1510+1G>C

Gene: TRIM2 (tripartite motif containing 2; plus strand). Cytogenetic location: 4q31.3.
Variant type: single nucleotide variant.
Coding change: c.1510+1G>C on transcript NM_015271.5 (MANE Select); the canonical splice donor site of the intron after coding-DNA position 1510, G replaced by C.
Molecular consequence: splice donor variant.
Genome position (GRCh38, 1-based): chr4:153,296,037, G>C. VCF-style: chr4-153296037-G-C. GRCh37 (hg19) VCF-style: chr4-154217189-G-C.
Other names: c.1603+1G>C (NM_001375488.1); c.1453+1G>C (NM_001375490.1); c.1177+1G>C (NM_001375519.1); c.1171+1G>C (NM_001375523.1, NM_001375522.1, NM_001375525.1); c.1600+1G>C (NM_001375489.1); c.1450+1G>C (NM_001375491.1); c.1174+1G>C (NM_001375520.1); c.1483+1G>C (NM_001351054.2); and 3 more.
Identifiers: ClinVar variation 1999246 (VCV001999246.4), dbSNP rs2546531911, ClinGen allele CA358473877.

ClinVar aggregate classification (germline): Uncertain significance (1 of 4 stars; one submission).

Conditions:
Charcot-Marie-Tooth disease type 2R. Also called: CHARCOT-MARIE-TOOTH DISEASE, AXONAL, AUTOSOMAL RECESSIVE, TYPE 2R; Charcot-Marie-Tooth disease, axonal, type 2R; CHARCOT-MARIE-TOOTH NEUROPATHY, TYPE 2R. Identifiers: Orphanet 397968, MedGen C3809655, MONDO:0014208, OMIM 615490.

Submission:

Labcorp Genetics (formerly Invitae), Labcorp
Classification: Uncertain significance for Charcot-Marie-Tooth disease type 2R. Last evaluated: 2022-05-27. Review status: criteria provided, single submitter. Criteria: Invitae Variant Classification Sherloc (09022015). Collection method: clinical testing. Allele origin: germline.
Comment: Algorithms developed to predict the effect of sequence changes on RNA splicing suggest that this variant may disrupt the consensus splice site. In summary, the available evidence is currently insufficient to determine the role of this variant in disease. Therefore, it has been classified as a Variant of Uncertain Significance. This variant has not been reported in the literature in individuals affected with TRIM2-related conditions. This variant is not present in population databases (gnomAD no frequency). This sequence change affects a donor splice site in intron 6 of the TRIM2 gene. It is expected to disrupt RNA splicing. Variants that disrupt the donor or acceptor splice site typically lead to a loss of protein function (PMID: 16199547), however the current clinical and genetic evidence is not sufficient to establish whether loss-of-function variants in TRIM2 cause disease.

Literature cited by the submitters: PubMed 16199547.